The following is an entry in ClinVar:

NM_001270974.2(HYDIN):c.13603C>T (p.Pro4535Ser)

Gene: HYDIN (HYDIN axonemal central pair apparatus protein; minus strand). Cytogenetic location: 16q22.2.
Variant type: single nucleotide variant.
Coding change: c.13603C>T on transcript NM_001270974.2 (MANE Select); coding-DNA position 13603, C replaced by T.
Protein change: p.Pro4535Ser; replaces proline 4535 with serine.
Molecular consequence: missense variant.
Genome position (GRCh38, 1-based): chr16:70,833,963, G>A on the plus strand (C>T on the coding strand, the complement: HYDIN is on the minus strand). VCF-style: chr16-70833963-G-A. GRCh37 (hg19) VCF-style: chr16-70867866-G-A.
Other names: short protein forms P4535S.
Identifiers: ClinVar variation 2671702 (VCV002671702.1), dbSNP rs267604614, ClinGen allele CA8148596.

ClinVar aggregate classification (germline): Uncertain significance (1 of 4 stars; one submission).

Conditions:
Primary ciliary dyskinesia 5. Also called: CILIARY DYSKINESIA, PRIMARY, 5, WITHOUT SITUS INVERSUS. Identifiers: Orphanet 244, MedGen C1837615, MONDO:0012088, OMIM 608647.

Allele frequency attached by ClinVar (database versions not stated): TOPMed 0.00003; gnomAD 0.00005; ExAC 0.00019; 1000 Genomes Project 0.00060; 1000 Genomes Project 30x 0.00062.
gnomAD v4.1: 114 of 1,613,220 alleles (0.0071%); highest among the groups gnomAD compares: South Asian, 0.08%; no homozygotes.

Submission:

Neuberg Centre For Genomic Medicine, NCGM
Classification: Uncertain significance for Primary ciliary dyskinesia 5. Last evaluated: 2023-03-01. Review status: criteria provided, single submitter. Criteria: ACMG Guidelines, 2015. Collection method: clinical testing. Allele origin: germline. Inheritance: Autosomal recessive inheritance. Affected: yes.
Comment: The missense c.13603C>T (p.Pro4535Ser) variant in HYDIN gene has not been reported previously as a pathogenic variant nor as a benign variant, to our knowledge. This variant is reported with allele frequency of 0.01% in the gnomAD Exomes. This variant has not been reported to the ClinVar database. The amino acid change p.Pro4535Ser in HYDIN is predicted as conserved by GERP++ and PhyloP across 100 vertebrates. The amino acid Pro at position 4535 is changed to a Ser changing protein sequence and it might alter its composition and physico-chemical properties. For these reasons, this variant has been classified as a Variant of Uncertain Significance (VUS).